The following is an entry in ClinVar:

ClinVar aggregate classification (germline): Benign. Review status: criteria provided, single submitter (1 of 4 stars). 2 submissions from 2 submitters: Benign (1). 1 of the submissions does not count toward it. Last evaluated 2019-12-31.

Conditions:
DACT1-related disorder. Also called: DACT1-related condition.

Allele frequency attached by ClinVar (database versions not stated): gnomAD exomes 0.00003 and 0.00020; gnomAD 0.00006; TOPMed 0.00008; ExAC 0.00014; 1000 Genomes Project 30x 0.00016; 1000 Genomes Project 0.00020.
gnomAD v4.1: 81 of 1,613,628 alleles (0.005%); highest among the groups gnomAD compares: East Asian, 0.1%; no homozygotes.

Submissions (2):

Labcorp Genetics (formerly Invitae), Labcorp
Classification: Benign. Last evaluated: 2019-12-31. Review status: criteria provided, single submitter. Criteria: Invitae Variant Classification Sherloc (09022015). Collection method: clinical testing. Allele origin: germline.

PreventionGenetics, part of Exact Sciences
Classification: Likely benign for DACT1-related condition. Last evaluated: 2019-10-03. Review status: no assertion criteria provided. Collection method: clinical testing. Allele origin: germline. Not counted in ClinVar's aggregate classification.
Comment: This variant is classified as likely benign based on ACMG/AMP sequence variant interpretation guidelines (Richards et al. 2015 PMID: 25741868, with internal and published modifications).

NM_001079520.2(DACT1):c.1404C>G (p.Pro468=)

Gene: DACT1 (dishevelled binding antagonist of beta catenin 1; plus strand). Cytogenetic location: 14q23.1.
Variant type: single nucleotide variant.
Coding change: c.1404C>G on transcript NM_001079520.2 (MANE Select); coding-DNA position 1404, C replaced by G.
Protein change: p.Pro468=; no amino-acid change (proline 468 retained).
Molecular consequence: synonymous variant. On other transcripts: non-coding transcript variant (2).
Genome position (GRCh38, 1-based): chr14:58,646,138, C>G. VCF-style: chr14-58646138-C-G. GRCh37 (hg19) VCF-style: chr14-59112856-C-G.
Other names: c.1515C>G, p.Pro505= (NM_016651.6).
Identifiers: ClinVar variation 736575 (VCV000736575.6), dbSNP rs201534502, ClinGen allele CA7206806.
Genomic context (GRCh38, chr14:58,646,138, plus strand): 5'-TCCAAAAGAGAGTCCTAGCAGAGGCCCTGCCCCGCCGCAGGAGAACAAAGTTGTACAGCC[C>G]CTGAAAAAGATGTCACAGAAAAACAGCCTGCAGGGCGTCCCCCCGGCCACTCCTCCCCTG-3'
Protein context (NP_001072988.1, residues 458-478): APPQENKVVQ[Pro468=]LKKMSQKNSL